The following is an entry in ClinVar:

ClinVar aggregate classification (germline): Uncertain significance (1 of 4 stars; one submission).

Conditions:
Familial hypokalemia-hypomagnesemia (GTLMNS). Also called: HYPOMAGNESEMIA-HYPOKALEMIA, PRIMARY RENOTUBULAR, WITH HYPOCALCIURIA; POTASSIUM AND MAGNESIUM DEPLETION; gitelman syndrome. Identifiers: Orphanet 358, MedGen C0268450, MONDO:0009904, OMIM 263800.

Submission:

3billion
Classification: Uncertain significance for Familial hypokalemia-hypomagnesemia. Last evaluated: 2025-09-16. Review status: criteria provided, single submitter. Criteria: ACMG Guidelines, 2015. Collection method: clinical testing. Allele origin: germline. Affected: yes.
Comment: The variant is not observed in the gnomAD v4.1.0 dataset. Predicted Consequence/Location: Missense variant In silico tool predictions suggest damaging effect of the variant on gene or gene product [3Cnet: 0.81 (> 0.75, sensitivity 0.96 and precision 0.92)]. A different missense change at the same codon (p.Ala313Val) has been reported as pathogenic/likely pathogenic with strong evidence (ClinVar ID: VCV000448400 /PMID: 11168953). Therefore, this variant is classified as VUS according to the recommendation of ACMG/AMP guideline.

Literature cited by the submitters: PubMed 11168953.

NM_001126108.2(SLC12A3):c.938C>A (p.Ala313Asp)

Gene: SLC12A3 (solute carrier family 12 member 3; plus strand). Cytogenetic location: 16q13.
Variant type: single nucleotide variant.
Coding change: c.938C>A on transcript NM_001126108.2 (MANE Select); coding-DNA position 938, C replaced by A.
Protein change: p.Ala313Asp; replaces alanine 313 with aspartic acid.
Molecular consequence: missense variant.
Genome position (GRCh38, 1-based): chr16:56,872,436, C>A. VCF-style: chr16-56872436-C-A. GRCh37 (hg19) VCF-style: chr16-56906348-C-A.
Other names: c.938C>A, p.Ala313Asp (NM_000339.3); c.935C>A, p.Ala312Asp (NM_001126107.2, NM_001410896.1); short protein forms A312D, A313D.
Identifiers: ClinVar variation 4854123 (VCV004854123.1).
Genomic context (GRCh38, chr16:56,872,436, plus strand): 5'-TCATGGTCTCCTTTGCCAACTATTTAGTGGGGACGCTGATCCCCCCATCTGAGGACAAGG[C>A]CTCCAAAGGCTTCTTCAGCTACCGGGGTATGTGCTGATCAAGGCCCTGACCATGGCTCTG-3'
Protein context (NP_001119580.2, residues 303-323): GTLIPPSEDK[Ala313Asp]SKGFFSYRAD